The following is an entry in ClinVar:

ClinVar aggregate classification (germline): Uncertain significance. Review status: criteria provided, single submitter (1 of 4 stars). 2 submissions from 2 submitters: Uncertain significance (1). 1 of the submissions does not count toward it. Last evaluated 2024-04-24.

Conditions:
APC-related disorder. Also called: APC-related condition.
Familial adenomatous polyposis 1 (FAP1). Also called: FAMILIAL ADENOMATOUS POLYPOSIS 1, ATTENUATED; POLYPOSIS, ADENOMATOUS INTESTINAL. Identifiers: MedGen C2713442, MONDO:0021056, OMIM 175100. Disease mechanism: loss of function.

Submissions (2):

Labcorp Genetics (formerly Invitae), Labcorp
Classification: Uncertain significance for Familial adenomatous polyposis 1. Last evaluated: 2024-04-24. Review status: criteria provided, single submitter. Criteria: Invitae Variant Classification Sherloc (09022015). Collection method: clinical testing. Allele origin: germline.
Comment: This sequence change replaces serine, which is neutral and polar, with phenylalanine, which is neutral and non-polar, at codon 1212 of the APC protein (p.Ser1212Phe). This variant is not present in population databases (gnomAD no frequency). This variant has not been reported in the literature in individuals affected with APC-related conditions. Advanced modeling of protein sequence and biophysical properties (such as structural, functional, and spatial information, amino acid conservation, physicochemical variation, residue mobility, and thermodynamic stability) performed at Invitae indicates that this missense variant is not expected to disrupt APC protein function with a negative predictive value of 95%. In summary, the available evidence is currently insufficient to determine the role of this variant in disease. Therefore, it has been classified as a Variant of Uncertain Significance.

PreventionGenetics, part of Exact Sciences
Classification: Uncertain significance for APC-related condition. Last evaluated: 2024-03-21. Review status: no assertion criteria provided. Collection method: clinical testing. Allele origin: germline. Not counted in ClinVar's aggregate classification.
Comment: The APC c.3635C>T variant is predicted to result in the amino acid substitution p.Ser1212Phe. To our knowledge, this variant has not been reported in the literature or in a large population database, indicating this variant is rare. At this time, the clinical significance of this variant is uncertain due to the absence of conclusive functional and genetic evidence.

NM_000038.6(APC):c.3635C>T (p.Ser1212Phe)

Gene: APC (APC regulator of Wnt signaling pathway; plus strand). Cytogenetic location: 5q22.2.
Variant type: single nucleotide variant.
Coding change: c.3635C>T on transcript NM_000038.6 (MANE Select); coding-DNA position 3635, C replaced by T.
Protein change: p.Ser1212Phe; replaces serine 1212 with phenylalanine.
Molecular consequence: missense variant. On other transcripts: non-coding transcript variant (2).
Genome position (GRCh38, 1-based): chr5:112,839,229, C>T. VCF-style: chr5-112839229-C-T. GRCh37 (hg19) VCF-style: chr5-112174926-C-T.
Other names: c.3635C>T, p.Ser1212Phe (NM_001127510.3, NM_001354895.2, NM_001407450.1); c.3581C>T, p.Ser1194Phe (NM_001127511.3); c.3689C>T, p.Ser1230Phe (NM_001354896.2, NM_001407447.1, NM_001407448.1 and 1 more transcripts); c.3665C>T, p.Ser1222Phe (NM_001354897.2); c.3560C>T, p.Ser1187Phe (NM_001354898.2); c.3551C>T, p.Ser1184Phe (NM_001354899.2); c.3512C>T, p.Ser1171Phe (NM_001354900.2); c.3458C>T, p.Ser1153Phe (NM_001354901.2, NM_001407453.1); and 11 more; short protein forms S1052F, S1083F, S1086F, S1111F, S1121F, S1129F, S1153F, S1171F.
Identifiers: ClinVar variation 3349176 (VCV003349176.3).